The following is an entry in ClinVar:

NM_015164.4(PLEKHM2):c.1555G>T (p.Asp519Tyr)

Gene: PLEKHM2 (pleckstrin homology and RUN domain containing M2; plus strand). Cytogenetic location: 1p36.21.
Variant type: single nucleotide variant.
Coding change: c.1555G>T on transcript NM_015164.4 (MANE Select); coding-DNA position 1555, G replaced by T.
Protein change: p.Asp519Tyr; replaces aspartic acid 519 with tyrosine.
Molecular consequence: missense variant.
Genome position (GRCh38, 1-based): chr1:15,727,627, G>T. VCF-style: chr1-15727627-G-T. GRCh37 (hg19) VCF-style: chr1-16054122-G-T.
Other names: short protein forms D519Y.
Identifiers: ClinVar variation 544350 (VCV000544350.9), dbSNP rs770377384, ClinGen allele CA616959.

ClinVar aggregate classification (germline): Uncertain significance. Review status: criteria provided, multiple submitters, no conflicts (2 of 4 stars). 2 submissions from 2 submitters: Uncertain significance (2). Last evaluated 2024-08-19.

Allele frequency attached by ClinVar (database versions not stated): gnomAD exomes below 0.00001 and 0.00001; TOPMed 0.00001; ExAC 0.00002; gnomAD 0.00002.
gnomAD v4.1: 4 of 1,590,768 alleles (0.00025%); highest among the groups gnomAD compares: East Asian, 0.0023%; no homozygotes.

Submissions (2):

Ambry Genetics
Classification: Uncertain significance. Last evaluated: 2024-08-19. Review status: criteria provided, single submitter. Criteria: Ambry Variant Classification Scheme 2023. Collection method: clinical testing. Allele origin: germline.

Labcorp Genetics (formerly Invitae), Labcorp
Classification: Uncertain significance. Last evaluated: 2020-11-05. Review status: criteria provided, single submitter. Criteria: Invitae Variant Classification Sherloc (09022015). Collection method: clinical testing. Allele origin: germline.
Comment: In summary, the available evidence is currently insufficient to determine the role of this variant in disease. Therefore, it has been classified as a Variant of Uncertain Significance. This sequence change replaces aspartic acid with tyrosine at codon 519 of the PLEKHM2 protein (p.Asp519Tyr). The aspartic acid residue is moderately conserved and there is a large physicochemical difference between aspartic acid and tyrosine. This variant is present in population databases (rs770377384, ExAC 0.005%). This variant has not been reported in the literature in individuals with PLEKHM2-related disease. Algorithms developed to predict the effect of missense changes on protein structure and function do not agree on the potential impact of this missense change (SIFT: "Deleterious"; PolyPhen-2: "Benign"; Align-GVGD: "Class C0").